The following is an entry in ClinVar:

NM_017617.5(NOTCH1):c.1646C>G (p.Thr549Ser)

Gene: NOTCH1 (notch receptor 1; minus strand). Cytogenetic location: 9q34.3.
Variant type: single nucleotide variant.
Coding change: c.1646C>G on transcript NM_017617.5 (MANE Select); coding-DNA position 1646, C replaced by G.
Protein change: p.Thr549Ser; replaces threonine 549 with serine.
Molecular consequence: missense variant.
Genome position (GRCh38, 1-based): chr9:136,516,004, G>C on the plus strand (C>G on the coding strand, the complement: NOTCH1 is on the minus strand). VCF-style: chr9-136516004-G-C. GRCh37 (hg19) VCF-style: chr9-139410456-G-C.
Other names: short protein forms T549S.
Identifiers: ClinVar variation 1311890 (VCV001311890.3), dbSNP rs1843262534, ClinGen allele CA375560723.

ClinVar aggregate classification (germline): Uncertain significance. Review status: criteria provided, multiple submitters, no conflicts (2 of 4 stars). 2 submissions from 2 submitters: Uncertain significance (2). Last evaluated 2025-06-14.

Conditions:
Adams-Oliver syndrome 5 (AOS5). Identifiers: Orphanet 974, MedGen C4014970, MONDO:0014459, OMIM 616028.

Allele frequency attached by ClinVar (database versions not stated): TOPMed below 0.00001; gnomAD 0.00003.
gnomAD v4.1: 29 of 1,611,638 alleles (0.0018%); highest among the groups gnomAD compares: South Asian, 0.023%; no homozygotes.

Submissions (2):

Labcorp Genetics (formerly Invitae), Labcorp
Classification: Uncertain significance for Adams-Oliver syndrome 5. Last evaluated: 2025-06-14. Review status: criteria provided, single submitter. Criteria: Invitae Variant Classification Sherloc (09022015). Collection method: clinical testing. Allele origin: germline.
Comment: This sequence change replaces threonine, which is neutral and polar, with serine, which is neutral and polar, at codon 549 of the NOTCH1 protein (p.Thr549Ser). This variant is not present in population databases (gnomAD no frequency). This variant has not been reported in the literature in individuals affected with NOTCH1-related conditions. ClinVar contains an entry for this variant (Variation ID: 1311890). Invitae Evidence Modeling of protein sequence and biophysical properties (such as structural, functional, and spatial information, amino acid conservation, physicochemical variation, residue mobility, and thermodynamic stability) indicates that this missense variant is not expected to disrupt NOTCH1 protein function with a negative predictive value of 80%. In summary, the available evidence is currently insufficient to determine the role of this variant in disease. Therefore, it has been classified as a Variant of Uncertain Significance.

GeneDx
Classification: Uncertain significance. Last evaluated: 2020-01-13. Review status: criteria provided, single submitter. Criteria: GeneDx Variant Classification Process June 2021. Collection method: clinical testing. Allele origin: germline. Affected: yes.
Comment: Has not been previously published as pathogenic or benign to our knowledge; Not observed in large population cohorts (Lek et al., 2016); In silico analysis, which includes protein predictors and evolutionary conservation, supports that this variant does not alter protein structure/function